The following is an entry in ClinVar:

ClinVar aggregate classification (germline): Uncertain significance (1 of 4 stars; one submission).

Submission:

Labcorp Genetics (formerly Invitae), Labcorp
Classification: Uncertain significance. Last evaluated: 2023-03-14. Review status: criteria provided, single submitter. Criteria: Invitae Variant Classification Sherloc (09022015). Collection method: clinical testing. Allele origin: germline.
Comment: This variant is not present in population databases (gnomAD no frequency). This sequence change replaces leucine, which is neutral and non-polar, with proline, which is neutral and non-polar, at codon 224 of the ACO2 protein (p.Leu224Pro). This variant has not been reported in the literature in individuals affected with ACO2-related conditions. Advanced modeling of protein sequence and biophysical properties (such as structural, functional, and spatial information, amino acid conservation, physicochemical variation, residue mobility, and thermodynamic stability) performed at Invitae indicates that this missense variant is expected to disrupt ACO2 protein function. In summary, the available evidence is currently insufficient to determine the role of this variant in disease. Therefore, it has been classified as a Variant of Uncertain Significance.

NM_001098.3(ACO2):c.671T>C (p.Leu224Pro)

Gene: ACO2 (aconitase 2; plus strand). Cytogenetic location: 22q13.2.
Variant type: single nucleotide variant.
Coding change: c.671T>C on transcript NM_001098.3 (MANE Select); coding-DNA position 671, T replaced by C.
Protein change: p.Leu224Pro; replaces leucine 224 with proline.
Molecular consequence: missense variant.
Genome position (GRCh38, 1-based): chr22:41,515,522, T>C. VCF-style: chr22-41515522-T-C. GRCh37 (hg19) VCF-style: chr22-41911526-T-C.
Other names: short protein forms L224P.
Identifiers: ClinVar variation 2845884 (VCV002845884.3), dbSNP rs2518222391, ClinGen allele CA411718467.